The following is an entry in ClinVar:

ClinVar aggregate classification (germline): Uncertain significance. Review status: criteria provided, multiple submitters, no conflicts (2 of 4 stars). 3 submissions from 3 submitters: Uncertain significance (3). Last evaluated 2025-05-17.

Conditions:
Global developmental delay - lung cysts - overgrowth - Wilms tumor syndrome. Also called: GLOW Syndrome; GLOBAL DEVELOPMENTAL DELAY, LUNG CYSTS, OVERGROWTH, AND WILMS TUMOR. Identifiers: Orphanet 404476, MedGen C4748924, MONDO:0018445, OMIM 618272.
DICER1-related tumor predisposition. Also called: DICER1-related pleuropulmonary blastoma cancer predisposition syndrome; DICER1 syndrome. Identifiers: Orphanet 284343, MedGen C3839822, MONDO:0100216.
Hereditary cancer-predisposing syndrome. Also called: Tumor predisposition; Neoplastic Syndromes, Hereditary; Hereditary Cancer Syndrome; Hereditary neoplastic syndrome. Identifiers: Orphanet 140162, MedGen C0027672, MeSH D009386, MONDO:0015356.

Allele frequency attached by ClinVar (database versions not stated): gnomAD exomes below 0.00001 and 0.00001; ExAC 0.00001; gnomAD 0.00001; TOPMed 0.00001.
gnomAD v4.1: 5 of 1,613,912 alleles (0.00031%); highest among the groups gnomAD compares: African/African-American, 0.004%; no homozygotes.

Submissions (3):

Ambry Genetics
Classification: Uncertain significance for Hereditary cancer-predisposing syndrome. Last evaluated: 2025-05-17. Review status: criteria provided, single submitter. Criteria: Ambry Variant Classification Scheme 2023. Collection method: clinical testing. Allele origin: germline.
Comment: The p.P623S variant (also known as c.1867C>T), located in coding exon 10 of the DICER1 gene, results from a C to T substitution at nucleotide position 1867. The proline at codon 623 is replaced by serine, an amino acid with similar properties. This amino acid position is highly conserved in available vertebrate species. In addition, this alteration is predicted to be tolerated by in silico analysis. Since supporting evidence is limited at this time, the clinical significance of this alteration remains unclear.

Labcorp Genetics (formerly Invitae), Labcorp
Classification: Uncertain significance for DICER1-related tumor predisposition. Last evaluated: 2025-04-14. Review status: criteria provided, single submitter. Criteria: Invitae Variant Classification Sherloc (09022015). Collection method: clinical testing. Allele origin: germline.
Comment: This sequence change replaces proline, which is neutral and non-polar, with serine, which is neutral and polar, at codon 623 of the DICER1 protein (p.Pro623Ser). This variant is present in population databases (rs778668024, gnomAD 0.007%). This variant has not been reported in the literature in individuals affected with DICER1-related conditions. ClinVar contains an entry for this variant (Variation ID: 477070). Invitae Evidence Modeling of protein sequence and biophysical properties (such as structural, functional, and spatial information, amino acid conservation, physicochemical variation, residue mobility, and thermodynamic stability) indicates that this missense variant is not expected to disrupt DICER1 protein function with a negative predictive value of 95%. In summary, the available evidence is currently insufficient to determine the role of this variant in disease. Therefore, it has been classified as a Variant of Uncertain Significance.

Baylor Genetics
Classification: Uncertain significance for Global developmental delay - lung cysts - overgrowth - Wilms tumor syndrome. Last evaluated: 2023-11-29. Review status: criteria provided, single submitter. Criteria: ACMG Guidelines, 2015. Collection method: clinical testing. Allele origin: unknown.

NM_177438.3(DICER1):c.1867C>T (p.Pro623Ser)

Gene: DICER1 (dicer 1, ribonuclease III; minus strand). Cytogenetic location: 14q32.13.
Variant type: single nucleotide variant.
Coding change: c.1867C>T on transcript NM_177438.3 (MANE Select); coding-DNA position 1867, C replaced by T.
Protein change: p.Pro623Ser; replaces proline 623 with serine.
Molecular consequence: missense variant.
Genome position (GRCh38, 1-based): chr14:95,115,707, G>A on the plus strand (C>T on the coding strand, the complement: DICER1 is on the minus strand). VCF-style: chr14-95115707-G-A. GRCh37 (hg19) VCF-style: chr14-95582044-G-A.
Other names: c.1867C>T, p.Pro623Ser (NM_001195573.1, NM_001271282.3, NM_001291628.2 and 1 more transcripts); short protein forms P623S.
Identifiers: ClinVar variation 477070 (VCV000477070.14), dbSNP rs778668024, ClinGen allele CA7331383.